The following is an entry in ClinVar:

ClinVar aggregate classification (germline): Uncertain significance. Review status: criteria provided, multiple submitters, no conflicts (2 of 4 stars). 2 submissions from 2 submitters: Uncertain significance (2). Last evaluated 2025-09-26.

Conditions:
Hereditary cancer-predisposing syndrome. Also called: Hereditary Cancer Syndrome; Hereditary neoplastic syndrome; Neoplastic Syndromes, Hereditary; Tumor predisposition. Identifiers: Orphanet 140162, MedGen C0027672, MeSH D009386, MONDO:0015356.

Allele frequency attached by ClinVar (database versions not stated): gnomAD exomes below 0.00001; ExAC 0.00002.

Submissions (2):

Ambry Genetics
Classification: Uncertain significance for Hereditary cancer-predisposing syndrome. Last evaluated: 2025-09-26. Review status: criteria provided, single submitter. Criteria: Ambry Variant Classification Scheme 2023. Collection method: clinical testing. Allele origin: germline.
Comment: The p.W263R variant (also known as c.787T>C), located in coding exon 2 of the HOXB13 gene, results from a T to C substitution at nucleotide position 787. The tryptophan at codon 263 is replaced by arginine, an amino acid with dissimilar properties. This amino acid position is highly conserved in available vertebrate species. In addition, this alteration is predicted to be deleterious by in silico analysis. Based on the available evidence, the clinical significance of this variant remains unclear.

Labcorp Genetics (formerly Invitae), Labcorp
Classification: Uncertain significance. Last evaluated: 2022-10-01. Review status: criteria provided, single submitter. Criteria: Invitae Variant Classification Sherloc (09022015). Collection method: clinical testing. Allele origin: germline.
Comment: In summary, the available evidence is currently insufficient to determine the role of this variant in disease. Therefore, it has been classified as a Variant of Uncertain Significance. Advanced modeling of protein sequence and biophysical properties (such as structural, functional, and spatial information, amino acid conservation, physicochemical variation, residue mobility, and thermodynamic stability) performed at Invitae indicates that this missense variant is expected to disrupt HOXB13 protein function. This variant has not been reported in the literature in individuals affected with HOXB13-related conditions. This variant is present in population databases (rs747483887, gnomAD 0.006%). This sequence change replaces tryptophan, which is neutral and slightly polar, with arginine, which is basic and polar, at codon 263 of the HOXB13 protein (p.Trp263Arg).

NM_006361.6(HOXB13):c.787T>C (p.Trp263Arg)

Gene: HOXB13 (homeobox B13; minus strand). Cytogenetic location: 17q21.32.
Variant type: single nucleotide variant.
Coding change: c.787T>C on transcript NM_006361.6 (MANE Select); coding-DNA position 787, T replaced by C.
Protein change: p.Trp263Arg; replaces tryptophan 263 with arginine.
Molecular consequence: missense variant.
Genome position (GRCh38, 1-based): chr17:48,726,858, A>G on the plus strand (T>C on the coding strand, the complement: HOXB13 is on the minus strand). VCF-style: chr17-48726858-A-G. GRCh37 (hg19) VCF-style: chr17-46804220-A-G.
Other names: short protein forms W263R.
Identifiers: ClinVar variation 1926872 (VCV001926872.6), dbSNP rs747483887, ClinGen allele CA8633909.